The following is an entry in ClinVar:

ClinVar aggregate classification (germline): Pathogenic (1 of 4 stars; one submission).

Conditions:
Smith-Lemli-Opitz syndrome (SLOS). Also called: LETHAL ACRODYSGENITAL SYNDROME; POLYDACTYLY, SEX REVERSAL, RENAL HYPOPLASIA, AND UNILOBAR LUNG; RSH SYNDROME; RUTLEDGE LETHAL MULTIPLE CONGENITAL ANOMALY SYNDROME; 7-Dehydrocholesterol reductase deficiency. Identifiers: Orphanet 818, MedGen C0175694, MONDO:0010035, OMIM 270400.

Submission:

Myriad Genetics, Inc.
Classification: Pathogenic for Smith-Lemli-Opitz syndrome. Last evaluated: 2026-07-08. Review status: criteria provided, single submitter. Criteria: Myriad Autosomal Dominant, Autosomal Recessive and X-Linked Classification Criteria (2023). Collection method: clinical testing. Allele origin: unknown.
Comment: NM_001360.2(DHCR7):c.1173_1191del19ins2(H391Qfs*160) is a readthrough frameshift variant classified as pathogenic in the context of Smith-Lemli-Opitz syndrome. H391Qfs*160 has not been observed in cases with relevant disease. Relevant functional assessments of this variant are not available in the literature. H391Qfs*160 has not been observed in referenced population frequency databases. In summary, NM_001360.2(DHCR7):c.1173_1191del19ins2(H391Qfs*160) is a readthrough frameshift variant in a gene where loss of function is a known mechanism of disease and is predicted to disrupt protein function. Please note: this variant was assessed in the context of healthy population screening.

NM_001360.3(DHCR7):c.1173_1191delinsGC (p.His391fs)

Gene: DHCR7 (7-dehydrocholesterol reductase; minus strand). Cytogenetic location: 11q13.4.
Variant type: Indel.
Coding change: c.1173_1191delinsGC on transcript NM_001360.3 (MANE Select); coding-DNA positions 1173 to 1191, CAGCAAGCTGCTGGTGTCG replaced by GC.
Protein change: p.His391fs; shifts the reading frame from histidine 391.
Molecular consequence: frameshift variant. On other transcripts: 3 prime UTR variant (1), intron variant (3).
Genome position (GRCh38, 1-based): chr11:71,435,612-71,435,630, CGACACCAGCAGCTTGCTG replaced by GC on the plus strand (CAGCAAGCTGCTGGTGTCG replaced by GC on the coding strand, the reverse complement: DHCR7 is on the minus strand). VCF-style: chr11-71435612-CGACACCAGCAGCTTGCTG-GC. GRCh37 (hg19) VCF-style: chr11-71146658-CGACACCAGCAGCTTGCTG-GC.
Other names: c.1173_1191delinsGC, p.His391fs (NM_001163817.2, NM_001425109.1, NM_001425110.1 and 1 more transcripts); c.1224_1242delinsGC, p.His408fs (NM_001425107.1); c.1209_1227delinsGC, p.His403fs (NM_001425108.1); c.1307_1325delinsGC, p.Thr436fs (NM_001425112.1); c.1113_1131delinsGC, p.His371fs (NM_001425113.1); c.1077_1095delinsGC, p.His359fs (NM_001425114.1); c.1211_1229delinsGC, p.Thr404fs (NM_001425116.1); c.999_1017delinsGC, p.His333fs (NM_001425117.1); and 4 more; short protein forms H359fs, H333fs, H391fs, T404fs, H371fs, H403fs, H408fs, T436fs.
Identifiers: ClinVar variation 5004780 (VCV005004780.1).